The following is an entry in ClinVar:

NM_000936.4(PNLIP):c.215A>G (p.Asp72Gly)

Gene: PNLIP (pancreatic lipase; plus strand). Cytogenetic location: 10q25.3.
Variant type: single nucleotide variant.
Coding change: c.215A>G on transcript NM_000936.4 (MANE Select); coding-DNA position 215, A replaced by G.
Protein change: p.Asp72Gly; replaces aspartic acid 72 with glycine.
Molecular consequence: missense variant.
Genome position (GRCh38, 1-based): chr10:116,548,373, A>G. VCF-style: chr10-116548373-A-G. GRCh37 (hg19) VCF-style: chr10-118307885-A-G.
Other names: short protein forms D72G.
Identifiers: ClinVar variation 1977875 (VCV001977875.2), dbSNP rs11549160, ClinGen allele CA5706409.
Genomic context (GRCh38, chr10:116,548,373, plus strand): 5'-TTGGCTACTATAGGAAACTGACATGAAACACTTTTCTGTCTAAACAGGAAGTTGCCGCAG[A>G]TTCATCAAGCATCAGTGGCTCCAATTTCAAAACAAATAGAAAAACTCGCTTTATTATTCA-3'
Protein context (NP_000927.1, residues 62-82): NPNNFQEVAA[Asp72Gly]SSSISGSNFK

ClinVar aggregate classification (germline): Uncertain significance (1 of 4 stars; one submission).

Allele frequency attached by ClinVar (database versions not stated): gnomAD exomes 0.00001; TOPMed 0.00001; ExAC 0.00003.
gnomAD v4.1: 14 of 1,614,076 alleles (0.00087%); highest among the groups gnomAD compares: Admixed American, 0.015%; no homozygotes.

Submission:

Labcorp Genetics (formerly Invitae), Labcorp
Classification: Uncertain significance. Last evaluated: 2022-04-09. Review status: criteria provided, single submitter. Criteria: Invitae Variant Classification Sherloc (09022015). Collection method: clinical testing. Allele origin: germline.
Comment: This sequence change replaces aspartic acid, which is acidic and polar, with glycine, which is neutral and non-polar, at codon 72 of the PNLIP protein (p.Asp72Gly). This variant is present in population databases (rs11549160, gnomAD 0.02%). This variant has not been reported in the literature in individuals affected with PNLIP-related conditions. Algorithms developed to predict the effect of missense changes on protein structure and function are either unavailable or do not agree on the potential impact of this missense change (SIFT: "Not Available"; PolyPhen-2: "Possibly Damaging"; Align-GVGD: "Not Available"). In summary, the available evidence is currently insufficient to determine the role of this variant in disease. Therefore, it has been classified as a Variant of Uncertain Significance.